The following is an entry in ClinVar:

NM_007194.4(CHEK2):c.882AGA[1] (p.Glu295del)

Gene: CHEK2 (checkpoint kinase 2; minus strand). Cytogenetic location: 22q12.1.
Variant type: Microsatellite.
Coding change: c.882AGA[1] on transcript NM_007194.4 (MANE Select); one copy of the 3-base unit AGA starting at c.882; the reference has two copies in a row; one copy, 3 bases deleted; also written c.885_887del.
Protein change: p.Glu295del; deletes glutamic acid 295.
Molecular consequence: inframe deletion. On other transcripts: inframe indel (4).
Genome position (GRCh38, 1-based): chr22:28,703,526-28,703,528, TCT deleted on the plus strand (AGA on the coding strand, the reverse complement: CHEK2 is on the minus strand); deleting any 3 consecutive bases within chr22:28,703,526-28,703,531 gives the same sequence; the position shown is the placement nearest the transcript's 3' end. VCF-style (leftmost placement, unchanged base first): chr22-28703525-ATCT-A. GRCh37 (hg19) VCF-style: chr22-29099513-ATCT-A.
Other names: c.885_887del (NM_007194.3, NM_007194.4); c.1011_1013AGA[1], p.Glu338del (NM_001005735.3); c.219_221AGA[1], p.Glu74del (NM_001257387.3); c.681_683AGA[1], p.Glu228del (NM_001349956.3); c.882_884AGA[1], p.Glu295del (NM_145862.3); short protein forms E295del, E228del, E338del, E74del.
Identifiers: ClinVar variation 240759 (VCV000240759.23), dbSNP rs771860071, ClinGen allele CA10167791.

ClinVar aggregate classification (germline): Conflicting classifications of pathogenicity. Review status: criteria provided, conflicting classifications (1 of 4 stars). 8 submissions from 7 submitters: Pathogenic (1); Uncertain significance (5). 2 of the submissions do not count toward it. Last evaluated 2025-09-04.

Conditions:
Hereditary cancer-predisposing syndrome. Also called: Tumor predisposition; Neoplastic Syndromes, Hereditary; Hereditary Cancer Syndrome; Hereditary neoplastic syndrome. Identifiers: Orphanet 140162, MedGen C0027672, MeSH D009386, MONDO:0015356.
CHEK2-related cancer predisposition (TPDS4). Also called: TUMOR PREDISPOSITION SYNDROME 4; CANCER PREDISPOSITION SYNDROME, CHEK2-RELATED; CHEK2-related cancer susceptibility. Identifiers: Orphanet 524, MedGen C5882668, MONDO:0700271, OMIM 609265.
Familial cancer of breast. Also called: Hereditary breast cancer; BREAST CANCER, FAMILIAL; hereditary breast carcinoma. Identifiers: Orphanet 227535, MedGen C0346153, MONDO:0016419, OMIM 114480. Disease mechanism: loss of function.
Malignant tumor of breast. Also called: Cancer breast; Malignant breast neoplasm. Identifiers: MedGen C0006142, MONDO:0007254. Disease mechanism: loss of function.

Submissions (8):

Ambry Genetics
Classification: Uncertain significance for Hereditary cancer-predisposing syndrome. Last evaluated: 2025-09-04. Review status: criteria provided, single submitter. Criteria: Ambry Variant Classification Scheme 2023. Collection method: clinical testing. Allele origin: germline.
Comment: The c.885_887delAGA variant (also known as p.E295del) is located in coding exon 7 of the CHEK2 gene. This variant results from an in-frame AGA deletion at nucleotide positions 885 to 887. This results in the in-frame deletion of a glutamic acid at codon 295. This amino acid position is highly conserved in available vertebrate species. In addition, this alteration is predicted to be deleterious by in silico analysis (Choi Y et al. PLoS ONE. 2012; 7(10):e46688). In silico splice site analysis predicts that this alteration will weaken the native splice donor site. RNA studies have demonstrated that this alteration results in an incomplete splice defect; the clinical impact of this abnormal splicing is unknown at this time (Ambry internal data). Based on the available evidence, the clinical significance of this variant remains unclear.

Labcorp Genetics (formerly Invitae), Labcorp
Classification: Pathogenic for Familial cancer of breast. Last evaluated: 2025-07-21. Review status: criteria provided, single submitter. Criteria: Invitae Variant Classification Sherloc (09022015). Collection method: clinical testing. Allele origin: germline.
Comment: This variant, c.885_887del, results in the deletion of 1 amino acid(s) of the CHEK2 protein (p.Glu295del), but otherwise preserves the integrity of the reading frame. RNA analysis indicates that this variant induces altered splicing and may result in an absent or altered protein product. This variant is present in population databases (rs771860071, gnomAD 0.006%). This variant has not been reported in the literature in individuals affected with CHEK2-related conditions. ClinVar contains an entry for this variant (Variation ID: 240759). Experimental studies and prediction algorithms are not available or were not evaluated, and the functional significance of this variant is currently unknown. Studies have shown that this variant results in skipping of exon 8, and produces a non-functional protein and/or introduces a premature termination codon (internal data). For these reasons, this variant has been classified as Pathogenic.

Color Diagnostics, LLC DBA Color Health
Classification: Uncertain significance for Hereditary cancer-predisposing syndrome. Last evaluated: 2023-06-14. Review status: criteria provided, single submitter. Criteria: ACMG Guidelines, 2015. Collection method: clinical testing. Allele origin: germline.
Comment: This variant causes an in-frame deletion of one amino acid in the CHEK2 protein. To our knowledge, functional studies have not been reported for this variant. This variant has been reported in an individual affected with early-onset breast cancer (PMID: 32885271). This variant has been identified in 2/216304 chromosomes in the general population by the Genome Aggregation Database (gnomAD). The available evidence is insufficient to determine the role of this variant in disease conclusively. Therefore, this variant is classified as a Variant of Uncertain Significance.

Myriad Genetics, Inc.
Classification: Uncertain significance for Familial cancer of breast. Last evaluated: 2023-05-08. Review status: criteria provided, single submitter. Criteria: Myriad Autosomal Dominant, Autosomal Recessive and X-Linked Classification Criteria (2023). Collection method: clinical testing. Allele origin: unknown.
Comment: This variant is classified as a variant of uncertain significance as there is insufficient evidence to determine its impact on protein function and/or cancer risk.

GeneDx
Classification: Uncertain significance. Last evaluated: 2022-11-10. Review status: criteria provided, single submitter. Criteria: GeneDx Variant Classification Process June 2021. Collection method: clinical testing. Allele origin: germline. Affected: yes.
Comment: In-frame deletion of 1 amino acid in a non-repeat region; Located in the critical kinase domain (Cai et al., 2009; Roeb et al., 2012); Not observed at significant frequency in large population cohorts (gnomAD); In silico analysis supports a deleterious effect on protein structure/function; Has not been previously published as pathogenic or benign to our knowledge; This variant is associated with the following publications: (PMID: 19782031, 22419737)

Department of Pathology and Laboratory Medicine, Sinai Health System
Classification: Uncertain significance for CHEK2-related cancer predisposition. Last evaluated: 2019-07-24. Review status: criteria provided, single submitter. Criteria: ACMG Guidelines, 2015. Collection method: clinical testing. Allele origin: germline. Affected: yes.

Counsyl
Classification: Uncertain significance for Familial cancer of breast. Last evaluated: 2017-01-24. Review status: no assertion criteria provided. Collection method: clinical testing. Allele origin: unknown. Not counted in ClinVar's aggregate classification.

Department of Pathology and Laboratory Medicine, Sinai Health System
Classification: Uncertain significance for Malignant tumor of breast. Review status: no assertion criteria provided. Collection method: clinical testing. Allele origin: unknown. Affected: yes. Study: The Canadian Open Genetics Repository (COGR). Not counted in ClinVar's aggregate classification.
Comment: CHEK2, EXON08, c.885_887del, p.Glu295del, Heterozygous, Uncertain Significance The CHEK2 p.Glu295del variant was not identified in the literature. The variant was identified in dbSNP (ID: rs771860071) as "With Uncertain significance allele" and ClinVar (classified as uncertain significance by Invitae, Ambry Genetics and Counsyl). The variant was not identified in the following control databases: the Exome Aggregation Consortium (August 8th 2016) or the Genome Aggregation Database (Feb 27, 2017). This variant is an in-frame deletion resulting in the removal of a glutamic acid (Glu) residue at codon 295; the impact of this alteration on CHEK2 protein function is not known. In summary, based on the above information, the clinical significance of this variant cannot be determined with certainty at this time. This variant is classified as a variant of uncertain significance. Assessment Date: 2019/07/22.

Literature cited by the submitters: PubMed 32885271 (cited by Color Diagnostics, LLC DBA Color Health).